The following is an entry in ClinVar:

ClinVar aggregate classification (germline): Uncertain significance (1 of 4 stars; one submission).

Conditions:
Early-infantile DEE. Also called: Early infantile epileptic encephalopathy with suppression bursts; Early infantile epileptic encephalopathy; Ohtahara syndrome. Identifiers: Orphanet 1934, MedGen C0393706, MONDO:0800491.

Submission:

Labcorp Genetics (formerly Invitae), Labcorp
Classification: Uncertain significance for Early-infantile DEE. Last evaluated: 2023-06-10. Review status: criteria provided, single submitter. Criteria: Invitae Variant Classification Sherloc (09022015). Collection method: clinical testing. Allele origin: germline.
Comment: This sequence change replaces aspartic acid, which is acidic and polar, with glycine, which is neutral and non-polar, at codon 783 of the KCNQ2 protein (p.Asp783Gly). This variant is not present in population databases (gnomAD no frequency). This variant has not been reported in the literature in individuals affected with KCNQ2-related conditions. Algorithms developed to predict the effect of missense changes on protein structure and function output the following: SIFT: "Not Available"; PolyPhen-2: "Benign"; Align-GVGD: "Not Available". The glycine amino acid residue is found in multiple mammalian species, which suggests that this missense change does not adversely affect protein function. In summary, the available evidence is currently insufficient to determine the role of this variant in disease. Therefore, it has been classified as a Variant of Uncertain Significance.

NM_172107.4(KCNQ2):c.2348A>G (p.Asp783Gly)

Gene: KCNQ2 (potassium voltage-gated channel subfamily Q member 2; minus strand). Cytogenetic location: 20q13.33.
Variant type: single nucleotide variant.
Coding change: c.2348A>G on transcript NM_172107.4 (MANE Select); coding-DNA position 2348, A replaced by G.
Protein change: p.Asp783Gly; replaces aspartic acid 783 with glycine.
Molecular consequence: missense variant.
Genome position (GRCh38, 1-based): chr20:63,406,915, T>C on the plus strand (A>G on the coding strand, the complement: KCNQ2 is on the minus strand). VCF-style: chr20-63406915-T-C. GRCh37 (hg19) VCF-style: chr20-62038268-T-C.
Other names: c.2402A>G, p.Asp801Gly (NM_001382235.1); c.2264A>G, p.Asp755Gly (NM_004518.6); c.2294A>G, p.Asp765Gly (NM_172106.3); c.2255A>G, p.Asp752Gly (NM_172108.5); short protein forms D755G, D783G, D752G, D765G, D801G.
Identifiers: ClinVar variation 2707774 (VCV002707774.3), dbSNP rs2516095700, ClinGen allele CA409637615.
Genomic context (GRCh38, chr20:63,406,915, plus strand): 5'-CTGAAGGAACGCTCCAGCTCCTCGTGGTCCACGGACGGGATGGAGATGGACGTGTCGCTG[T>C]CCCGCAGGTTCCCCTCGGGGGGCCTGCAGCCCGGGGTGTCCTCCTGCCGCAGGAACTCCA-3'
Protein context (NP_742105.1, residues 773-793): GCRPPEGNLR[Asp783Gly]SDTSISIPSV